The following is an entry in ClinVar:

NM_000179.3(MSH6):c.2714T>C (p.Leu905Ser)

Gene: MSH6 (mutS homolog 6; plus strand). Cytogenetic location: 2p16.3.
Variant type: single nucleotide variant.
Coding change: c.2714T>C on transcript NM_000179.3 (MANE Select); coding-DNA position 2714, T replaced by C.
Protein change: p.Leu905Ser; replaces leucine 905 with serine.
Molecular consequence: missense variant. On other transcripts: non-coding transcript variant (5), intron variant (2).
Genome position (GRCh38, 1-based): chr2:47,800,697, T>C. VCF-style: chr2-47800697-T-C. GRCh37 (hg19) VCF-style: chr2-48027836-T-C.
Other names: c.2324T>C, p.Leu775Ser (NM_001281492.2); c.1808T>C, p.Leu603Ser (NM_001281493.2, NM_001281494.2, NM_001406811.1 and 6 more transcripts); c.2810T>C, p.Leu937Ser (NM_001406795.1, NM_001406802.1); c.2714T>C, p.Leu905Ser (NM_001406796.1, NM_001406798.1, NM_001406800.1 and 2 more transcripts); c.2417T>C, p.Leu806Ser (NM_001406797.1, NM_001406801.1, NM_001406805.1 and 10 more transcripts); c.2189T>C, p.Leu730Ser (NM_001406799.1, NM_001406806.1, NM_001406807.1); c.2636T>C, p.Leu879Ser (NM_001406804.1); c.2720T>C, p.Leu907Ser (NM_001406813.1); and 4 more; short protein forms L603S, L849S, L879S, L937S, L730S, L806S, L907S, L220S.
Identifiers: ClinVar variation 2567491 (VCV002567491.2), dbSNP rs587779245, ClinGen allele CA346755343.

ClinVar aggregate classification (germline): Uncertain significance (1 of 4 stars; one submission).

Conditions:
Hereditary cancer-predisposing syndrome. Also called: Hereditary neoplastic syndrome; Hereditary Cancer Syndrome; Neoplastic Syndromes, Hereditary; Tumor predisposition. Identifiers: Orphanet 140162, MedGen C0027672, MeSH D009386, MONDO:0015356.

gnomAD v4.1: 2 of 1,614,192 alleles (0.00012%); highest among the groups gnomAD compares: Non-Finnish European, 0.00017%; no homozygotes.

Submission:

Ambry Genetics
Classification: Uncertain significance for Hereditary cancer-predisposing syndrome. Last evaluated: 2023-05-31. Review status: criteria provided, single submitter. Criteria: Ambry Variant Classification Scheme 2023. Collection method: clinical testing. Allele origin: germline.
Comment: The p.L905S variant (also known as c.2714T>C), located in coding exon 4 of the MSH6 gene, results from a T to C substitution at nucleotide position 2714. The leucine at codon 905 is replaced by serine, an amino acid with dissimilar properties. This amino acid position is conserved. In addition, this alteration is predicted to be deleterious by in silico analysis. Since supporting evidence is limited at this time, the clinical significance of this alteration remains unclear.